The following is an entry in ClinVar:

NM_003737.4(DCHS1):c.6411T>C (p.Ser2137=)

Gene: DCHS1 (dachsous cadherin-related 1; minus strand). Cytogenetic location: 11p15.4.
Variant type: single nucleotide variant.
Coding change: c.6411T>C on transcript NM_003737.4 (MANE Select); coding-DNA position 6411, T replaced by C.
Protein change: p.Ser2137=; no amino-acid change (serine 2137 retained).
Molecular consequence: synonymous variant.
Genome position (GRCh38, 1-based): chr11:6,626,334, A>G on the plus strand (T>C on the coding strand, the complement: DCHS1 is on the minus strand). VCF-style: chr11-6626334-A-G. GRCh37 (hg19) VCF-style: chr11-6647565-A-G.
Identifiers: ClinVar variation 2020886 (VCV002020886.4), dbSNP rs780802767, ClinGen allele CA5859863.

ClinVar aggregate classification (germline): Uncertain significance (1 of 4 stars; one submission).

Allele frequency attached by ClinVar (database versions not stated): gnomAD exomes below 0.00001; ExAC 0.00001.
gnomAD v4.1: 1 of 1,613,486 alleles (0.000062%); highest among the groups gnomAD compares: Non-Finnish European, 0.000085%; no homozygotes.

Submission:

Labcorp Genetics (formerly Invitae), Labcorp
Classification: Uncertain significance. Last evaluated: 2022-08-01. Review status: criteria provided, single submitter. Criteria: Invitae Variant Classification Sherloc (09022015). Collection method: clinical testing. Allele origin: germline.
Comment: In summary, the available evidence is currently insufficient to determine the role of this variant in disease. Therefore, it has been classified as a Variant of Uncertain Significance. Algorithms developed to predict the effect of sequence changes on RNA splicing suggest that this variant may disrupt the consensus splice site. This variant has not been reported in the literature in individuals affected with DCHS1-related conditions. This variant is not present in population databases (gnomAD no frequency). This sequence change affects codon 2137 of the DCHS1 mRNA. It is a 'silent' change, meaning that it does not change the encoded amino acid sequence of the DCHS1 protein.